The following is an entry in ClinVar:

NM_000124.4(ERCC6):c.2106del (p.Phe703fs)

Gene: ERCC6 (ERCC excision repair 6, chromatin remodeling factor; minus strand). Cytogenetic location: 10q11.23.
Variant type: Deletion.
Coding change: c.2106del on transcript NM_000124.4 (MANE Select); coding-DNA position 2106, one base deleted (G; older notation c.2106delG).
Protein change: p.Phe703fs; shifts the reading frame from phenylalanine 703.
Molecular consequence: frameshift variant.
Genome position (GRCh38, 1-based): chr10:49,482,750, C deleted on the plus strand (G on the coding strand, the reverse complement: ERCC6 is on the minus strand). VCF-style (leftmost placement, unchanged base first): chr10-49482749-AC-A. GRCh37 (hg19) VCF-style: chr10-50690795-AC-A.
Other names: c.2106del, p.Phe703fs (NM_001346440.2); short protein forms F703fs.
Identifiers: ClinVar variation 1725297 (VCV001725297.2), dbSNP rs2496006893, ClinGen allele CA2580081549.
Genomic context (GRCh38, chr10:49,482,749, plus strand): 5'-GTACTGGGGAAGCATTTGAATATCCCCCCATGGTGATGGGGACGGAGAACTGCTCCATAA[AC>A]ACAGGCAACGTGCCTAACTTTCCCGGGAAGATGAAGTCAAAGAGCGACCACAGCTCTCGG-3'

ClinVar aggregate classification (germline): Likely pathogenic (1 of 4 stars; one submission).

Conditions:
Cockayne syndrome type 2 (CSB). Also called: COCKAYNE SYNDROME B; Cockayne Syndrome, Type II. Identifiers: Orphanet 191, Orphanet 90322, MedGen C0751038, MONDO:0019570, OMIM 133540.

Submission:

Myriad Genetics, Inc.
Classification: Likely pathogenic for Cockayne syndrome type 2. Last evaluated: 2022-03-15. Review status: criteria provided, single submitter. Criteria: Myriad Women's Health Autosomal Recessive and X-Linked Classification Criteria (2021). Collection method: clinical testing. Allele origin: unknown.
Comment: NM_000124.2(ERCC6):c.2106delG(F703Lfs*36) is expected to be pathogenic in the context of ERCC6-related disorders. This variant is predicted to lead to an abnormal or absent protein product due to the creation of a premature termination codon in ERCC6, a gene where loss-of-function variants are known to be pathogenic. Please note: this variant was assessed in the context of healthy population screening.